The following is an entry in ClinVar:

ClinVar aggregate classification (germline): Conflicting classifications of pathogenicity. Review status: criteria provided, conflicting classifications (1 of 4 stars). 2 submissions from 2 submitters: Uncertain significance (1); Likely benign (1). Last evaluated 2025-08-01.

Allele frequency attached by ClinVar (database versions not stated): gnomAD 0.00011; gnomAD exomes 0.00011; ExAC 0.00016; TOPMed 0.00018; ESP Exome Variant Server 0.00025.
gnomAD v4.1: 191 of 1,613,696 alleles (0.012%); highest among the groups gnomAD compares: Admixed American, 0.005%; no homozygotes.

Submissions (2):

CeGaT Center for Human Genetics Tuebingen
Classification: Likely benign. Last evaluated: 2025-08-01. Review status: criteria provided, single submitter. Criteria: CeGaT Center For Human Genetics Tuebingen Variant Classification Criteria Version 2. Collection method: clinical testing. Allele origin: germline. Affected: yes. Observed: 2 variant alleles.
Comment: KICS2: BP4

Ambry Genetics
Classification: Uncertain significance. Last evaluated: 2021-08-02. Review status: criteria provided, single submitter. Criteria: Ambry Variant Classification Scheme 2023. Collection method: clinical testing. Allele origin: germline.

NM_152440.5(KICS2):c.207C>G (p.His69Gln)

Genes: KICS2 (KICSTOR subunit 2; minus strand), LOC130008198 (ATAC-STARR-seq lymphoblastoid active region 6588; plus strand). Cytogenetic location: 12q14.2.
Variant type: single nucleotide variant.
Coding change: c.207C>G on transcript NM_152440.5 (MANE Select); coding-DNA position 207, C replaced by G.
Protein change: p.His69Gln; replaces histidine 69 with glutamine.
Molecular consequence: missense variant. On other transcripts: intron variant (1).
Genome position (GRCh38, 1-based): chr12:64,222,031, G>C on the plus strand (C>G on the coding strand, the complement: KICS2 is on the minus strand). VCF-style: chr12-64222031-G-C. GRCh37 (hg19) VCF-style: chr12-64615811-G-C.
Other names: c.207C>G, p.His69Gln (NM_001300940.2); c.76+131C>G (NM_001300941.2); c.207C>G (NM_152440.4); short protein forms H69Q.
Identifiers: ClinVar variation 2643161 (VCV002643161.25), dbSNP rs200046866, ClinGen allele CA6667411.